The following is an entry in ClinVar:

ClinVar aggregate classification (germline): Benign. Review status: criteria provided, multiple submitters, no conflicts (2 of 4 stars). 8 submissions from 8 submitters: Benign (6). 2 of the submissions do not count toward it. Last evaluated 2026-02-04.

Conditions:
Long QT syndrome (LQTS). Identifiers: MedGen C0023976, MeSH D008133, MONDO:0002442. Disease mechanism: loss of function. Inheritance: Various modes of inheritance.
Cardiac arrhythmia, ankyrin-B-related. Also called: ANKYRIN-B SYNDROME. Identifiers: Orphanet 101016, Orphanet 768, MedGen C1970119, MONDO:0010958, OMIM 600919.

Allele frequency attached by ClinVar (database versions not stated): 1000 Genomes Project 0.07568; 1000 Genomes Project 30x 0.07917; gnomAD exomes 0.08957 and 0.10313; ExAC 0.09199; gnomAD 0.10530 and 0.10852; TOPMed 0.10579; ESP Exome Variant Server 0.11841.
gnomAD v4.1: 166,609 of 1,612,242 alleles (10%); highest among the groups gnomAD compares: Middle Eastern, 16%; 9,285 homozygotes.

Submissions (8):

Labcorp Genetics (formerly Invitae), Labcorp
Classification: Benign for Long QT syndrome. Last evaluated: 2026-02-04. Review status: criteria provided, single submitter. Criteria: Invitae Variant Classification Sherloc (09022015). Collection method: clinical testing. Allele origin: germline.

Blueprint Genetics
Classification: Benign. Last evaluated: 2024-11-26. Review status: criteria provided, single submitter. Criteria: ACMG Guidelines, 2015. Collection method: clinical testing. Allele origin: germline.

Genome-Nilou Lab
Classification: Benign for Cardiac arrhythmia, ankyrin-B-related. Last evaluated: 2021-12-05. Review status: criteria provided, single submitter. Criteria: ACMG Guidelines, 2015. Collection method: clinical testing. Allele origin: germline. Affected: no.

GeneDx
Classification: Benign. Last evaluated: 2015-03-04. Review status: criteria provided, single submitter. Criteria: GeneDx Variant Classification (06012015). Collection method: clinical testing. Allele origin: germline. Affected: yes.
Comment: This variant is considered likely benign or benign based on one or more of the following criteria: it is a conservative change, it occurs at a poorly conserved position in the protein, it is predicted to be benign by multiple in silico algorithms, and/or has population frequency not consistent with disease.

Breakthrough Genomics
Classification: Benign. Review status: criteria provided, single submitter. Criteria: ACMG Guidelines, 2015. Collection method: not provided. Allele origin: germline. Inheritance: Autosomal dominant inheritance. Affected: yes.

PreventionGenetics, part of Exact Sciences
Classification: Benign. Review status: criteria provided, single submitter. Criteria: ACMG Guidelines, 2015. Collection method: clinical testing. Allele origin: germline.

Clinical Genetics, Academic Medical Center
Classification: Benign. Review status: no assertion criteria provided. Collection method: clinical testing. Allele origin: germline. Affected: yes. Study: VKGL Data-share Consensus. Not counted in ClinVar's aggregate classification.

Diagnostic Laboratory, Department of Genetics, University Medical Center Groningen
Classification: Benign for Cardiac arrhythmia, ankyrin-B-related. Review status: no assertion criteria provided. Collection method: clinical testing. Allele origin: germline. Affected: yes. Study: VKGL Data-share Consensus. Not counted in ClinVar's aggregate classification.

NM_001148.6(ANK2):c.10888+20C>T

Gene: ANK2 (ankyrin 2; plus strand). Cytogenetic location: 4q26.
Variant type: single nucleotide variant.
Coding change: c.10888+20C>T on transcript NM_001148.6 (MANE Select); 20 bases into the intron after coding-DNA position 10888, C replaced by T.
Molecular consequence: intron variant.
Genome position (GRCh38, 1-based): chr4:113,363,489, C>T. VCF-style: chr4-113363489-C-T. GRCh37 (hg19) VCF-style: chr4-114284645-C-T.
Other names: c.4618+20C>T (NM_001386186.2, NM_001386148.2); c.4420+20C>T (NM_001354269.3); c.4498+20C>T (NM_001386187.2); c.4459+20C>T (NM_001386147.1); c.4477+20C>T (NM_001386160.1); c.4582+20C>T (NM_001354254.2); c.4603+20C>T (NM_001354239.2, NM_001354252.2); c.4504+20C>T (NM_001354272.2); and 35 more.
Identifiers: ClinVar variation 136394 (VCV000136394.14), dbSNP rs35728190, ClinGen allele CA289462.